The following is an entry in ClinVar:

ClinVar aggregate classification (germline): Likely pathogenic. Review status: criteria provided, multiple submitters, no conflicts (2 of 4 stars). 2 submissions from 2 submitters: Likely pathogenic (2). Last evaluated 2026-03-23.
ClinVar aggregate classification (oncogenicity): Uncertain significance (1 of 4 stars; one submission).

Conditions:
Hereditary cancer-predisposing syndrome. Also called: Tumor predisposition; Hereditary Cancer Syndrome; Hereditary neoplastic syndrome; Neoplastic Syndromes, Hereditary. Identifiers: Orphanet 140162, MedGen C0027672, MeSH D009386, MONDO:0015356.
Familial thoracic aortic aneurysm and aortic dissection (TAAD). Also called: Thoracic aortic aneurysms and dissections. Identifiers: Orphanet 91387, MedGen C4707243, MONDO:0019625.
Juvenile polyposis syndrome (JPS). Identifiers: Orphanet 2929, MedGen C0345893, MONDO:0017380, OMIM 174900.
Neoplasm. Also called: tumor; Neoplasms; Neoplasm (disease). Identifiers: MedGen C0027651, MeSH D009369, MONDO:0005070, HP:0002664.

Submissions (3):

Ambry Genetics
Classification: Likely pathogenic for Hereditary cancer-predisposing syndrome; Familial thoracic aortic aneurysm and aortic dissection. Last evaluated: 2026-03-23. Review status: criteria provided, single submitter. Criteria: Ambry Variant Classification Scheme 2023. Collection method: clinical testing. Allele origin: germline.
Comment: The p.W524C variant (also known as c.1572G>T), located in coding exon 11 of the SMAD4 gene, results from a G to T substitution at nucleotide position 1572. The tryptophan at codon 524 is replaced by cysteine, an amino acid with highly dissimilar properties. This variant was reported in individual(s) with features consistent with juvenile polyposis/hereditary hemorrhagic telangiectasia syndrome (external communication). This missense variant is located in a region that has a low rate of benign missense variation (Lek M et al. Nature. 2016 Aug 18;536(7616):285-91; DECIPHER: Database of Chromosomal Imbalance and Phenotype in Humans using Ensembl Resources. Firth H.V. et al. 2009. Am.J.Hum.Genet. 84, 524-533 (DOI)). This amino acid position is highly conserved in available vertebrate species. In addition, this alteration is predicted to be deleterious by in silico analysis. This variant is considered to be rare based on population cohorts in the Genome Aggregation Database (gnomAD). Based on the majority of available evidence to date, this variant is likely to be pathogenic.

Center for Genomic Medicine, Rigshospitalet, Copenhagen University Hospital
Classification: Uncertain significance for Neoplasm. Last evaluated: 2025-03-04. Review status: criteria provided, single submitter. Criteria: ClinGen/CGC/VICC Guidelines for Oncogenicity, 2022. Collection method: clinical testing. Allele origin: somatic. Affected: yes.

Labcorp Genetics (formerly Invitae), Labcorp
Classification: Likely pathogenic for Juvenile polyposis syndrome. Last evaluated: 2024-08-10. Review status: criteria provided, single submitter. Criteria: Invitae Variant Classification Sherloc (09022015). Collection method: clinical testing. Allele origin: germline.
Comment: This sequence change replaces tryptophan, which is neutral and slightly polar, with cysteine, which is neutral and slightly polar, at codon 524 of the SMAD4 protein (p.Trp524Cys). This variant is not present in population databases (gnomAD no frequency). This missense change has been observed in individuals with clinical features of hereditary hemorrhagic telangiectasia (Invitae). ClinVar contains an entry for this variant (Variation ID: 2147050). Advanced modeling of protein sequence and biophysical properties (such as structural, functional, and spatial information, amino acid conservation, physicochemical variation, residue mobility, and thermodynamic stability) has been performed at Invitae for this missense variant, however the output from this modeling did not meet the statistical confidence thresholds required to predict the impact of this variant on SMAD4 protein function. This variant disrupts the p.Trp524 amino acid residue in SMAD4. Other variant(s) that disrupt this residue have been observed in individuals with SMAD4-related conditions (PMID: 16152648; Invitae), which suggests that this may be a clinically significant amino acid residue. In summary, the currently available evidence indicates that the variant is pathogenic, but additional data are needed to prove that conclusively. Therefore, this variant has been classified as Likely Pathogenic.

Literature cited by the submitters: PubMed 16152648 (cited by Labcorp Genetics (formerly Invitae), Labcorp).

NM_005359.6(SMAD4):c.1572G>T (p.Trp524Cys)

Gene: SMAD4 (SMAD family member 4; plus strand). Cytogenetic location: 18q21.2.
Variant type: single nucleotide variant.
Coding change: c.1572G>T on transcript NM_005359.6 (MANE Select); coding-DNA position 1572, G replaced by T.
Protein change: p.Trp524Cys; replaces tryptophan 524 with cysteine.
Molecular consequence: missense variant.
Genome position (GRCh38, 1-based): chr18:51,078,380, G>T. VCF-style: chr18-51078380-G-T. GRCh37 (hg19) VCF-style: chr18-48604750-G-T.
Other names: c.1572G>T, p.Trp524Cys (NM_001407041.1, NM_001407042.1); short protein forms W524C.
Identifiers: ClinVar variation 2147050 (VCV002147050.6), dbSNP rs1568211588, ClinGen allele CA402466062.
Genomic context (GRCh38, chr18:51,078,380, plus strand): 5'-TTTTGTGAAAGGCTGGGGACCGGATTACCCAAGACAGAGCATCAAAGAAACACCTTGCTG[G>T]ATTGAAATTCACTTACACCGGGCCCTCCAGCTCCTAGACGAAGTACTTCATACCATGCCG-3'
Protein context (NP_005350.1, residues 514-534): PRQSIKETPC[Trp524Cys]IEIHLHRALQ